The following is an entry in ClinVar:

NM_015981.4(CAMK2A):c.*227T>A

Gene: CAMK2A (calcium/calmodulin dependent protein kinase II alpha; minus strand). Cytogenetic location: 5q32.
Variant type: single nucleotide variant.
Coding change: c.*227T>A on transcript NM_015981.4 (MANE Select); 227 bases downstream of the stop codon, T replaced by A.
Molecular consequence: 3 prime UTR variant.
Genome position (GRCh38, 1-based): chr5:150,222,483, A>T on the plus strand (T>A on the coding strand, the complement: CAMK2A is on the minus strand). VCF-style: chr5-150222483-A-T. GRCh37 (hg19) VCF-style: chr5-149602046-A-T.
Other names: c.*227T>A (NM_001363989.1, NM_001363990.1, NM_171825.3); c.*256T>A (NM_001369025.2).
Identifiers: ClinVar variation 2655913 (VCV002655913.24), dbSNP rs2481473020, ClinGen allele CA2695198776.
Genomic context (GRCh38, chr5:150,222,483, plus strand): 5'-AGGCTGGGGAGAGGGGGCCAGTGCTGTGGACACCCATGCCTGAGGAAGCCCCAGCCTGGC[A>T]GGGGAGAGGGTGGGGGTGAGAGGTGGGGAGATGTGGCCGTTCGCTCTGAAGTTGCGATGA-3'

ClinVar aggregate classification (germline): Likely benign (1 of 4 stars; one submission).

Submission:

CeGaT Center for Human Genetics Tuebingen
Classification: Likely benign. Last evaluated: 2023-09-01. Review status: criteria provided, single submitter. Criteria: CeGaT Center For Human Genetics Tuebingen Variant Classification Criteria Version 2. Collection method: clinical testing. Allele origin: germline. Affected: yes. Observed: 1 variant allele.
Comment: CAMK2A: PM2:Supporting, BP4, BP7